The following is an entry in ClinVar:

NM_031407.7(HUWE1):c.6942_6956del (p.Asp2317_Gly2321del)

Gene: HUWE1 (HECT, UBA and WWE domain containing E3 ubiquitin protein ligase 1; minus strand). Cytogenetic location: Xp11.22.
Variant type: Deletion.
Coding change: c.6942_6956del on transcript NM_031407.7 (MANE Select); coding-DNA positions 6942 to 6956, 15 bases deleted (AGATGGGGATATCAT).
Protein change: p.Asp2317_Gly2321del.
Genome position (GRCh38, 1-based): chrX:53,564,647-53,564,661, ATGATATCCCCATCT deleted on the plus strand (AGATGGGGATATCAT on the coding strand, the reverse complement: HUWE1 is on the minus strand). VCF-style (leftmost placement, unchanged base first): chrX-53564646-CATGATATCCCCATCT-C. GRCh37 (hg19) VCF-style: chrX-53591607-CATGATATCCCCATCT-C.
Identifiers: ClinVar variation 4070894 (VCV004070894.1).
Genomic context (GRCh38, chrX:53,564,646, plus strand): 5'-TGAACTGAGCACCTCAGGCTGCCCAGCAATCACCACTGAGTCGGTTTCAGCCTCCCCATC[CATGATATCCCCATCT>C]GCCACCTCTGTCTGAGTGACATCATGATCCTCCTCCTGCACTTCTGCTTCCCCAGGCTCG-3'

ClinVar aggregate classification (germline): Uncertain significance (1 of 4 stars; one submission).

Submission:

GeneDx
Classification: Uncertain significance. Last evaluated: 2025-01-20. Review status: criteria provided, single submitter. Criteria: GeneDx Variant Classification Process June 2021. Collection method: clinical testing. Allele origin: germline. Affected: yes.
Comment: Not observed at significant frequency in large population cohorts (gnomAD); In-frame deletion of 5 amino acids in a non-repeat region; In silico analysis supports a deleterious effect on protein structure/function; Has not been previously published as pathogenic or benign to our knowledge